The following is an entry in ClinVar:

NM_000334.4(SCN4A):c.3904A>C (p.Lys1302Gln)

Genes: GH-LCR (growth hormone locus control region; plus strand), SCN4A (sodium voltage-gated channel alpha subunit 4; minus strand). Cytogenetic location: 17q23.3.
Variant type: single nucleotide variant.
Coding change: c.3904A>C on transcript NM_000334.4 (MANE Select); coding-DNA position 3904, A replaced by C.
Protein change: p.Lys1302Gln; replaces lysine 1302 with glutamine.
Molecular consequence: missense variant.
Genome position (GRCh38, 1-based): chr17:63,944,681, T>G on the plus strand (A>C on the coding strand, the complement: SCN4A is on the minus strand). VCF-style: chr17-63944681-T-G. GRCh37 (hg19) VCF-style: chr17-62022041-T-G.
Other names: short protein forms K1302Q.
Identifiers: ClinVar variation 976103 (VCV000976103.14), dbSNP rs1555601285, ClinGen allele CA400617226.

ClinVar aggregate classification (germline): Conflicting classifications of pathogenicity. Review status: criteria provided, conflicting classifications (1 of 4 stars). 6 submissions from 6 submitters: Likely pathogenic (1); Uncertain significance (5). Last evaluated 2026-02-06.

Conditions:
Paramyotonia congenita of Von Eulenburg. Also called: Paramyotonia Congenita; PARALYSIS PERIODICA PARAMYOTONICA; Eulenburg disease; Myotonia congenita intermittens; Von Eulenburg paramyotonia congenita. Identifiers: Orphanet 684, MedGen C0221055, MONDO:0008195, OMIM 168300. Disease mechanism: loss of function.
Potassium-aggravated myotonia. Also called: Myotonia congenita, atypical, acetazolamide-responsive; MYOTONIA CONGENITA, ACETAZOLAMIDE-RESPONSIVE; MYOTONIA CONGENITA, ATYPICAL; SODIUM CHANNEL MUSCLE DISEASE. Identifiers: Orphanet 612, Orphanet 99734, Orphanet 99735, Orphanet 99736, MedGen C2931826, MONDO:0018959, OMIM 608390.
Hyperkalemic periodic paralysis. Also called: Familial hyperkalemic periodic paralysis; Gamstorp disease. Identifiers: Orphanet 682, MedGen C0238357, MONDO:0008224, OMIM 170500, HP:0007215.

Allele frequency attached by ClinVar (database versions not stated): gnomAD 0.00001; gnomAD exomes below 0.00001; TOPMed below 0.00001.
gnomAD v4.1: 7 of 1,604,972 alleles (0.00044%); highest among the groups gnomAD compares: African/African-American, 0.0013%; no homozygotes.

Submissions (6):

GeneDx
Classification: Likely pathogenic. Last evaluated: 2026-02-06. Review status: criteria provided, single submitter. Criteria: GeneDx Variant Classification Process June 2021. Collection method: clinical testing. Allele origin: germline.
Comment: Published functional studies suggest a damaging effect as the p.(K1302Q) variant results in abnormal sodium channel conductance (PMID: 39150825); Identified in patients with features consistent with an SCN4A-related disorder referred for genetic testing at GeneDx and in published literature (PMID: 39150825); In silico analysis supports that this missense variant has a deleterious effect on protein structure/function; Not observed at significant frequency in large population cohorts (gnomAD); This variant is associated with the following publications: (PMID: 39150825)

Women's Health and Genetics/Laboratory Corporation of America, LabCorp
Classification: Uncertain significance. Last evaluated: 2025-10-10. Review status: criteria provided, single submitter. Criteria: LabCorp Variant Classification Summary - May 2015. Collection method: clinical testing. Allele origin: germline.
Comment: Variant summary: SCN4A c.3904A>C (p.Lys1302Gln) results in a conservative amino acid change in the encoded protein sequence. Algorithms developed to predict the effect of missense changes on protein structure and function are either unavailable or do not agree on the potential impact of this missense change. The variant allele was found at a frequency of 4.4e-06 in 1604972 control chromosomes. The available data on variant occurrences in the general population are insufficient to allow any conclusion about variant significance. c.3904A>C has been observed in the heterozygous state in individuals affected with Potassium-Aggravated Myotonia, however, it has also been reported in individuals withouth symptoms of Potassium-Aggravated Myotonia (Tikhonova_2024). Since the penetrance of Potassium-Aggravated Myotonia due to this variant appears to be lower than expected, no conclusions can be drawn from these data. At least one publication reports experimental evidence that this variant exhibits abnormal voltage dependence of steady-state fast inactivation in xenopus oocytes (Tikhonova_2024). The following publication have been ascertained in the context of this evaluation (PMID: 39150825). ClinVar contains an entry for this variant (Variation ID: 976103). Based on the evidence outlined above, the variant was classified as uncertain significance.

Revvity Omics, Revvity
Classification: Uncertain significance. Last evaluated: 2023-01-17. Review status: criteria provided, single submitter. Criteria: ACMG Guidelines, 2015. Collection method: clinical testing. Allele origin: germline.

Labcorp Genetics (formerly Invitae), Labcorp
Classification: Uncertain significance for Hyperkalemic periodic paralysis. Last evaluated: 2022-12-06. Review status: criteria provided, single submitter. Criteria: Invitae Variant Classification Sherloc (09022015). Collection method: clinical testing. Allele origin: germline.
Comment: This sequence change replaces lysine, which is basic and polar, with glutamine, which is neutral and polar, at codon 1302 of the SCN4A protein (p.Lys1302Gln). This variant is not present in population databases (gnomAD no frequency). This variant has not been reported in the literature in individuals affected with SCN4A-related conditions. ClinVar contains an entry for this variant (Variation ID: 976103). Algorithms developed to predict the effect of missense changes on protein structure and function (SIFT, PolyPhen-2, Align-GVGD) all suggest that this variant is likely to be disruptive. In summary, the available evidence is currently insufficient to determine the role of this variant in disease. Therefore, it has been classified as a Variant of Uncertain Significance.

MGZ Medical Genetics Center
Classification: Uncertain significance for Paramyotonia congenita of Von Eulenburg. Last evaluated: 2022-05-25. Review status: criteria provided, single submitter. Criteria: ACMG Guidelines, 2015. Collection method: clinical testing. Allele origin: germline. Affected: yes. Observed: 1 variant allele.
Comment: ACMG criteria applied: PM2_SUP, PP3

Institute of Human Genetics, University of Leipzig Medical Center
Classification: Uncertain significance for Potassium-aggravated myotonia. Last evaluated: 2017-08-22. Review status: criteria provided, single submitter. Criteria: ACMG Guidelines, 2015. Collection method: clinical testing. Allele origin: germline. Affected: yes. Observed: 1 variant allele.

Literature cited by the submitters: PubMed 39150825 (cited by Women's Health and Genetics/Laboratory Corporation of America, LabCorp).